The following is an entry in ClinVar:

ClinVar aggregate classification (germline): Benign/Likely benign. Review status: criteria provided, multiple submitters, no conflicts (2 of 4 stars). 2 submissions from 2 submitters: Benign (1); Likely benign (1). Last evaluated 2024-12-22.

Conditions:
Benign neonatal seizures. Also called: Benign neonatal familial convulsions; Convulsions benign familial neonatal dominant form; Autosomal dominant form of benign neonatal seizures; Benign familial neonatal seizures; Benign familial neonatal epilepsy. Identifiers: Orphanet 1949, MedGen C0220669, MONDO:0016027.

Allele frequency attached by ClinVar (database versions not stated): gnomAD exomes 0.00001; ExAC 0.00002; gnomAD 0.00003; TOPMed 0.00004; ESP Exome Variant Server 0.00008.
gnomAD v4.1: 5 of 1,613,670 alleles (0.00031%); highest among the groups gnomAD compares: African/African-American, 0.0067%; no homozygotes.

Submissions (2):

Labcorp Genetics (formerly Invitae), Labcorp
Classification: Likely benign for Benign neonatal seizures. Last evaluated: 2024-12-22. Review status: criteria provided, single submitter. Criteria: Invitae Variant Classification Sherloc (09022015). Collection method: clinical testing. Allele origin: germline.

GeneDx
Classification: Benign. Last evaluated: 2014-04-24. Review status: criteria provided, single submitter. Criteria: GeneDx Variant Classification (06012015). Collection method: clinical testing. Allele origin: germline. Affected: yes.
Comment: This variant is considered likely benign or benign based on one or more of the following criteria: it is a conservative change, it occurs at a poorly conserved position in the protein, it is predicted to be benign by multiple in silico algorithms, and/or has population frequency not consistent with disease.

NM_004519.4(KCNQ3):c.1626T>C (p.Asp542=)

Gene: KCNQ3 (potassium voltage-gated channel subfamily Q member 3; minus strand). Cytogenetic location: 8q24.22.
Variant type: single nucleotide variant.
Coding change: c.1626T>C on transcript NM_004519.4 (MANE Select); coding-DNA position 1626, T replaced by C.
Protein change: p.Asp542=; no amino-acid change (aspartic acid 542 retained).
Molecular consequence: synonymous variant.
Genome position (GRCh38, 1-based): chr8:132,137,959, A>G on the plus strand (T>C on the coding strand, the complement: KCNQ3 is on the minus strand). VCF-style: chr8-132137959-A-G. GRCh37 (hg19) VCF-style: chr8-133150206-A-G.
Other names: p.D542D:GAT>GAC; c.1266T>C, p.Asp422= (NM_001204824.2).
Identifiers: ClinVar variation 138044 (VCV000138044.9), dbSNP rs145098530, ClinGen allele CA291836.